The following is an entry in ClinVar:

NM_001184.4(ATR):c.2442A>G (p.Glu814=)

Gene: ATR (ATR checkpoint kinase; minus strand). Cytogenetic location: 3q23.
Variant type: single nucleotide variant.
Coding change: c.2442A>G on transcript NM_001184.4 (MANE Select); coding-DNA position 2442, A replaced by G.
Protein change: p.Glu814=; no amino-acid change (glutamic acid 814 retained).
Molecular consequence: synonymous variant.
Genome position (GRCh38, 1-based): chr3:142,553,915, T>C on the plus strand (A>G on the coding strand, the complement: ATR is on the minus strand). VCF-style: chr3-142553915-T-C. GRCh37 (hg19) VCF-style: chr3-142272757-T-C.
Other names: c.2250A>G, p.Glu750= (NM_001354579.2).
Identifiers: ClinVar variation 157971 (VCV000157971.25), dbSNP rs55895932, ClinGen allele CA171349.
Genomic context (GRCh38, chr3:142,553,915, plus strand): 5'-GGATTCCAATATGTGCTTGATATTTCCACTAAAAGCCACTCTAACATCTTTGTCTGGATC[T>C]TCCATTAAATTTAATAAAGTTCCAAGAACTGCTTTTACATCTGTTTCATCTTCTCTAAAA-3'
Protein context (NP_001175.2, residues 804-824): AVLGTLLNLM[Glu814=]DPDKDVRVAF

ClinVar aggregate classification (germline): Benign. Review status: criteria provided, multiple submitters, no conflicts (2 of 4 stars). 9 submissions from 8 submitters: Benign (8). 1 of the submissions does not count toward it. Last evaluated 2026-02-03.

Conditions:
ATR-related disorder. Also called: ATR-related condition.
Familial cutaneous telangiectasia and oropharyngeal predisposition cancer syndrome. Identifiers: Orphanet 313846, MedGen C3281203, MONDO:0013806, OMIM 614564.
Seckel syndrome 1 (SCKL1). Also called: MICROCEPHALIC PRIMORDIAL DWARFISM I. Identifiers: Orphanet 808, MedGen C4551474, MONDO:0008869, OMIM 210600.

Allele frequency attached by ClinVar (database versions not stated): 1000 Genomes Project 0.04253; gnomAD 0.04528 and 0.04208; 1000 Genomes Project 30x 0.04716; TOPMed 0.04860; ESP Exome Variant Server 0.04953; gnomAD exomes 0.00413 and 0.01105; ExAC 0.01367.
gnomAD v4.1: 12,641 of 1,612,650 alleles (0.78%); highest among the groups gnomAD compares: African/African-American, 15%; 866 homozygotes.

Submissions (9):

Labcorp Genetics (formerly Invitae), Labcorp
Classification: Benign. Last evaluated: 2026-02-03. Review status: criteria provided, single submitter. Criteria: Invitae Variant Classification Sherloc (09022015). Collection method: clinical testing. Allele origin: germline.

KCCC/NGS Laboratory, Kuwait Cancer Control Center
Classification: Benign for Familial cutaneous telangiectasia and oropharyngeal predisposition cancer syndrome. Last evaluated: 2023-07-07. Review status: criteria provided, single submitter. Criteria: ACMG Guidelines, 2015. Collection method: clinical testing. Allele origin: germline. Affected: yes.

Genome-Nilou Lab
Classification: Benign for Seckel syndrome 1. Last evaluated: 2023-02-08. Review status: criteria provided, single submitter. Criteria: ACMG Guidelines, 2015. Collection method: clinical testing. Allele origin: germline.

Genome-Nilou Lab
Classification: Benign for Familial cutaneous telangiectasia and oropharyngeal predisposition cancer syndrome. Last evaluated: 2023-02-08. Review status: criteria provided, single submitter. Criteria: ACMG Guidelines, 2015. Collection method: clinical testing. Allele origin: germline.

Illumina Laboratory Services, Illumina
Classification: Benign for Seckel syndrome 1. Last evaluated: 2018-01-13. Review status: criteria provided, single submitter. Criteria: ICSL Variant Classification Criteria 13 December 2019. Collection method: clinical testing. Allele origin: germline.
Comment: This variant was observed in the ICSL laboratory as part of a predisposition screen in an ostensibly healthy population. It had not been previously curated by ICSL or reported in the Human Gene Mutation Database (HGMD: prior to June 1st, 2018), and was therefore a candidate for classification through an automated scoring system. Utilizing variant allele frequency, disease prevalence and penetrance estimates, and inheritance mode, an automated score was calculated to assess if this variant is too frequent to cause the disease. Based on the score and internal cut-off values, a variant classified as benign is not then subjected to further curation. The score for this variant resulted in a classification of benign for this disease.

GeneDx
Classification: Benign. Last evaluated: 2015-03-03. Review status: criteria provided, single submitter. Criteria: GeneDx Variant Classification Process June 2021. Collection method: clinical testing. Allele origin: germline. Affected: yes.

Genetic Services Laboratory, University of Chicago
Classification: Benign. Last evaluated: 2013-02-08. Review status: criteria provided, single submitter. Criteria: ACMG Guidelines, 2007. Collection method: clinical testing. Allele origin: germline. Inheritance: Autosomal recessive inheritance.

Breakthrough Genomics
Classification: Benign. Review status: criteria provided, single submitter. Criteria: ACMG Guidelines, 2015. Collection method: not provided. Allele origin: germline. Inheritance: Autosomal recessive inheritance. Affected: yes.

PreventionGenetics, part of Exact Sciences
Classification: Benign for ATR-related condition. Last evaluated: 2023-12-18. Review status: no assertion criteria provided. Collection method: clinical testing. Allele origin: germline. Not counted in ClinVar's aggregate classification.
Comment: This variant is classified as benign based on ACMG/AMP sequence variant interpretation guidelines (Richards et al. 2015 PMID: 25741868, with internal and published modifications).